The following is an entry in ClinVar:

NM_004006.3(DMD):c.325G>A (p.Gly109Ser)

Gene: DMD (dystrophin; minus strand). Cytogenetic location: Xp21.1.
Variant type: single nucleotide variant.
Coding change: c.325G>A on transcript NM_004006.3 (MANE Select); coding-DNA position 325, G replaced by A.
Protein change: p.Gly109Ser; replaces glycine 109 with serine.
Molecular consequence: missense variant. On other transcripts: 5 prime UTR variant (1).
Genome position (GRCh38, 1-based): chrX:32,823,327, C>T on the plus strand (G>A on the coding strand, the complement: DMD is on the minus strand). VCF-style: chrX-32823327-C-T. GRCh37 (hg19) VCF-style: chrX-32841444-C-T.
Other names: c.301G>A, p.Gly101Ser (NM_000109.4); c.313G>A, p.Gly105Ser (NM_004009.3); c.-45G>A (NM_004010.3); short protein forms G101S, G109S, G105S.
Identifiers: ClinVar variation 5003360 (VCV005003360.1).

ClinVar aggregate classification (germline): Uncertain significance (1 of 4 stars; one submission).

Conditions:
Progressive muscular dystrophy. Identifiers: Orphanet 206644, MedGen C4551827, MONDO:0016106.

Submission:

Myriad Genetics, Inc.
Classification: Uncertain significance for Progressive muscular dystrophy. Last evaluated: 2026-09-04. Review status: criteria provided, single submitter. Criteria: Myriad Autosomal Dominant, Autosomal Recessive and X-Linked Classification Criteria (2023). Collection method: clinical testing. Allele origin: unknown.
Comment: NM_004006.2(DMD):c.325G>A(G109S) is a missense variant classified as a variant of uncertain significance in the context of dystrophinopathy (including Duchenne/Becker muscular dystrophy). G109S has been observed in a case with relevant disease (PMID: 39674649). Relevant functional assessments of this variant are not available in the literature. G109S has not been observed in referenced population frequency databases. In summary, there is insufficient evidence to classify NM_004006.2(DMD):c.325G>A(G109S) as pathogenic or benign. Please note: this variant was assessed in the context of healthy population screening.

Literature cited by the submitters: PubMed 39674649.